The following is an entry in ClinVar:

ClinVar aggregate classification (germline): Benign/Likely benign. Review status: criteria provided, multiple submitters, no conflicts (2 of 4 stars). 5 submissions from 5 submitters: Benign (4); Likely benign (1). Last evaluated 2026-01-25.

Allele frequency attached by ClinVar (database versions not stated): gnomAD exomes 0.00133; ExAC 0.00220; 1000 Genomes Project 30x 0.00406; 1000 Genomes Project 0.00459; ESP Exome Variant Server 0.00543; gnomAD 0.00589 and 0.00642; TOPMed 0.00646.
gnomAD v4.1: 1,768 of 1,609,754 alleles (0.11%); highest among the groups gnomAD compares: African/African-American, 1.9%; 16 homozygotes.

Submissions (5):

Labcorp Genetics (formerly Invitae), Labcorp
Classification: Benign. Last evaluated: 2026-01-25. Review status: criteria provided, single submitter. Criteria: Invitae Variant Classification Sherloc (09022015). Collection method: clinical testing. Allele origin: germline.

Blueprint Genetics
Classification: Likely benign. Last evaluated: 2024-10-18. Review status: criteria provided, single submitter. Criteria: ACMG Guidelines, 2015. Collection method: clinical testing. Allele origin: germline.

GeneDx
Classification: Benign. Last evaluated: 2019-02-26. Review status: criteria provided, single submitter. Criteria: GeneDx Variant Classification Process June 2021. Collection method: clinical testing. Allele origin: germline. Affected: yes.

Laboratory for Molecular Medicine, Mass General Brigham Personalized Medicine
Classification: Benign. Last evaluated: 2012-04-30. Review status: criteria provided, single submitter. Criteria: LMM Criteria. Collection method: clinical testing. Allele origin: germline. Observed: 5 variant alleles.
Comment: Leu1389Ile in Exon 09 of TRIOBP: This variant is not expected to have clinical s ignificance because it has been identified in 1.7% (53/3102) of African American chromosomes from a broad population by the NHLBI Exome Sequencing Project (dbSNP rs144175566).

PreventionGenetics, part of Exact Sciences
Classification: Benign. Review status: criteria provided, single submitter. Criteria: ACMG Guidelines, 2015. Collection method: clinical testing. Allele origin: germline.

NM_001039141.3(TRIOBP):c.4165C>A (p.Leu1389Ile)

Gene: TRIOBP (TRIO and F-actin binding protein; plus strand). Cytogenetic location: 22q13.1.
Variant type: single nucleotide variant.
Coding change: c.4165C>A on transcript NM_001039141.3 (MANE Select); coding-DNA position 4165, C replaced by A.
Protein change: p.Leu1389Ile; replaces leucine 1389 with isoleucine.
Molecular consequence: missense variant.
Genome position (GRCh38, 1-based): chr22:37,734,501, C>A. VCF-style: chr22-37734501-C-A. GRCh37 (hg19) VCF-style: chr22-38130508-C-A.
Other names: short protein forms L1389I.
Identifiers: ClinVar variation 227125 (VCV000227125.17), dbSNP rs144175566, ClinGen allele CA10224330.